The following is an entry in ClinVar:

ClinVar aggregate classification (germline): Uncertain significance. Review status: criteria provided, multiple submitters, no conflicts (2 of 4 stars). 2 submissions from 2 submitters: Uncertain significance (2). Last evaluated 2024-09-14.

gnomAD v4.1: 4 of 1,614,138 alleles (0.00025%); highest among the groups gnomAD compares: Non-Finnish European, 0.00034%; no homozygotes.

Submissions (2):

Women's Health and Genetics/Laboratory Corporation of America, LabCorp
Classification: Uncertain significance. Last evaluated: 2024-09-14. Review status: criteria provided, single submitter. Criteria: LabCorp Variant Classification Summary - May 2015. Collection method: clinical testing. Allele origin: germline.

GeneDx
Classification: Uncertain significance. Last evaluated: 2022-07-07. Review status: criteria provided, single submitter. Criteria: GeneDx Variant Classification Process June 2021. Collection method: clinical testing. Allele origin: germline. Affected: yes.
Comment: Not observed at significant frequency in large population cohorts (gnomAD); In silico analysis supports that this missense variant has a deleterious effect on protein structure/function; Although located in a calcium-binding EGF-like domain of the FBN2 gene, it does not substitute or introduce a cysteine residue (Callewaert et al., 2008; Frederic et al., 2009); Has not been previously published as pathogenic or benign to our knowledge; This variant is associated with the following publications: (PMID: 19006240, 18767143)

NM_001999.4(FBN2):c.3902A>G (p.Asn1301Ser)

Gene: FBN2 (fibrillin 2; minus strand). Cytogenetic location: 5q23.3.
Variant type: single nucleotide variant.
Coding change: c.3902A>G on transcript NM_001999.4 (MANE Select); coding-DNA position 3902, A replaced by G.
Protein change: p.Asn1301Ser; replaces asparagine 1301 with serine.
Molecular consequence: missense variant.
Genome position (GRCh38, 1-based): chr5:128,335,241, T>C on the plus strand (A>G on the coding strand, the complement: FBN2 is on the minus strand). VCF-style: chr5-128335241-T-C. GRCh37 (hg19) VCF-style: chr5-127670933-T-C.
Other names: short protein forms N1301S.
Identifiers: ClinVar variation 1200755 (VCV001200755.6), dbSNP rs1018624400, ClinGen allele CA360757445.